The following is an entry in ClinVar:

NM_000059.4(BRCA2):c.2195A>C (p.Glu732Ala)

Gene: BRCA2 (BRCA2 DNA repair associated; plus strand). Cytogenetic location: 13q13.1.
Variant type: single nucleotide variant.
Coding change: c.2195A>C on transcript NM_000059.4 (MANE Select); coding-DNA position 2195, A replaced by C.
Protein change: p.Glu732Ala; replaces glutamic acid 732 with alanine.
Molecular consequence: missense variant.
Genome position (GRCh38, 1-based): chr13:32,336,550, A>C. VCF-style: chr13-32336550-A-C. GRCh37 (hg19) VCF-style: chr13-32910687-A-C.
Other names: short protein forms E732A.
Identifiers: ClinVar variation 936095 (VCV000936095.11), dbSNP rs1456382766, ClinGen allele CA387770468.
Genomic context (GRCh38, chr13:32,336,550, plus strand): 5'-TGCAGGAAGGACAGTGTGAAAATGATCCAAAAAGCAAAAAAGTTTCAGATATAAAAGAAG[A>C]GGTCTTGGCTGCAGCATGTCACCCAGTACAACATTCAAAAGTGGAATACAGTGATACTGA-3'
Protein context (NP_000050.3, residues 722-742): KSKKVSDIKE[Glu732Ala]VLAAACHPVQ

ClinVar aggregate classification (germline): Conflicting classifications of pathogenicity. Review status: criteria provided, conflicting classifications (1 of 4 stars). 2 submissions from 2 submitters: Uncertain significance (1); Likely benign (1). Last evaluated 2023-03-23.

Conditions:
Hereditary cancer-predisposing syndrome. Also called: Tumor predisposition; Hereditary neoplastic syndrome; Hereditary Cancer Syndrome; Neoplastic Syndromes, Hereditary. Identifiers: Orphanet 140162, MedGen C0027672, MeSH D009386, MONDO:0015356.
Hereditary breast ovarian cancer syndrome. Also called: BRCA1- and BRCA2-Associated Hereditary Breast and Ovarian Cancer; Hereditary breast and/or ovarian cancer syndrome; Hereditary breast and ovarian cancer syndrome; Hereditary breast and ovarian cancer; Breast and ovarian cancer; Hereditary breast and ovarian cancer syndrome (HBOC). Identifiers: Orphanet 145, MedGen C0677776, MeSH D061325, MONDO:0003582. Disease mechanism: loss of function.

Allele frequency attached by ClinVar (database versions not stated): gnomAD exomes below 0.00001; gnomAD 0.00001; TOPMed 0.00001.
gnomAD v4.1: 5 of 1,613,978 alleles (0.00031%); highest among the groups gnomAD compares: Non-Finnish European, 0.00042%; no homozygotes.

Submissions (2):

University of Washington Department of Laboratory Medicine, University of Washington
Classification: Likely benign for Hereditary cancer-predisposing syndrome. Last evaluated: 2023-03-23. Review status: criteria provided, single submitter. Criteria: Dines et al. (Genet Med. 2020). Collection method: curation. Allele origin: germline.
Comment: Missense variant in a coldspot region where missense variants are very unlikely to be pathogenic (PMID:31911673).

BRCA2 exon 11 coldspot. Reclassification based on statistical prior probability.

Labcorp Genetics (formerly Invitae), Labcorp
Classification: Uncertain significance for Hereditary breast ovarian cancer syndrome. Last evaluated: 2019-09-13. Review status: criteria provided, single submitter. Criteria: Invitae Variant Classification Sherloc (09022015). Collection method: clinical testing. Allele origin: germline.
Comment: In summary, the available evidence is currently insufficient to determine the role of this variant in disease. Therefore, it has been classified as a Variant of Uncertain Significance. Algorithms developed to predict the effect of missense changes on protein structure and function (SIFT, PolyPhen-2, Align-GVGD) all suggest that this variant is likely to be tolerated, but these predictions have not been confirmed by published functional studies and their clinical significance is uncertain. This variant has been reported in individuals in the Leiden Open-source Variation Database (PMID: 21520333). This variant is not present in population databases (ExAC no frequency). This sequence change replaces glutamic acid with alanine at codon 732 of the BRCA2 protein (p.Glu732Ala). The glutamic acid residue is weakly conserved and there is a moderate physicochemical difference between glutamic acid and alanine.

Literature cited by the submitters: PubMed 21520333 (cited by Labcorp Genetics (formerly Invitae), Labcorp).